The following is an entry in ClinVar:

NM_001271938.2(MEGF8):c.5812C>T (p.His1938Tyr)

Gene: MEGF8 (multiple EGF like domains 8; plus strand). Cytogenetic location: 19q13.2.
Variant type: single nucleotide variant.
Coding change: c.5812C>T on transcript NM_001271938.2 (MANE Select); coding-DNA position 5812, C replaced by T.
Protein change: p.His1938Tyr; replaces histidine 1938 with tyrosine.
Molecular consequence: missense variant.
Genome position (GRCh38, 1-based): chr19:42,362,181, C>T. VCF-style: chr19-42362181-C-T. GRCh37 (hg19) VCF-style: chr19-42866333-C-T.
Other names: c.5611C>T, p.His1871Tyr (NM_001410.3); c.5611C>T (NM_001410.2); short protein forms H1871Y, H1938Y.
Identifiers: ClinVar variation 1419413 (VCV001419413.9), dbSNP rs757924699, ClinGen allele CA9475695.
Genomic context (GRCh38, chr19:42,362,181, plus strand): 5'-ATGCCTCGCTCCCCGGAGGAATGTCGACGTCTCCGGACCTGCAGTGAGTGCCTGGCCCGC[C>T]ATCCTCGGACCCTGCAACCTGGAGATGGAGAGGTGAGTGGTGGGGAAGGCAGGGATGAGA-3'
Protein context (NP_001258867.1, residues 1928-1948): LRTCSECLAR[His1938Tyr]PRTLQPGDGE

ClinVar aggregate classification (germline): Uncertain significance. Review status: criteria provided, multiple submitters, no conflicts (2 of 4 stars). 2 submissions from 2 submitters: Uncertain significance (2). Last evaluated 2024-11-11.

Conditions:
Inborn genetic diseases. Identifiers: MedGen C0950123, MeSH D030342.
MEGF8-related Carpenter syndrome. Also called: Carpenter syndrome 2. Identifiers: Orphanet 65759, MedGen C3554247, MONDO:0013998, OMIM 614976.

Allele frequency attached by ClinVar (database versions not stated): ExAC 0.00002; gnomAD exomes 0.00004 and 0.00009; gnomAD 0.00005 and 0.00006; TOPMed 0.00005.
gnomAD v4.1: 134 of 1,610,558 alleles (0.0083%); highest among the groups gnomAD compares: Non-Finnish European, 0.011%; no homozygotes.

Submissions (2):

Labcorp Genetics (formerly Invitae), Labcorp
Classification: Uncertain significance for MEGF8-related Carpenter syndrome. Last evaluated: 2024-11-11. Review status: criteria provided, single submitter. Criteria: Invitae Variant Classification Sherloc (09022015). Collection method: clinical testing. Allele origin: germline.
Comment: This sequence change replaces histidine, which is basic and polar, with tyrosine, which is neutral and polar, at codon 1871 of the MEGF8 protein (p.His1871Tyr). This variant is present in population databases (rs757924699, gnomAD 0.008%). This variant has not been reported in the literature in individuals affected with MEGF8-related conditions. ClinVar contains an entry for this variant (Variation ID: 1419413). An algorithm developed to predict the effect of missense changes on protein structure and function (PolyPhen-2) suggests that this variant is likely to be tolerated. In summary, the available evidence is currently insufficient to determine the role of this variant in disease. Therefore, it has been classified as a Variant of Uncertain Significance.

Ambry Genetics
Classification: Uncertain significance for Inborn genetic diseases. Last evaluated: 2022-07-26. Review status: criteria provided, single submitter. Criteria: Ambry Variant Classification Scheme 2023. Collection method: clinical testing. Allele origin: germline.